The following is an entry in ClinVar:

ClinVar aggregate classification (germline): Pathogenic/Likely pathogenic. Review status: criteria provided, multiple submitters, no conflicts (2 of 4 stars). 18 submissions from 17 submitters: Pathogenic (12); Likely pathogenic (3). 3 of the submissions do not count toward it. Last evaluated 2026-08-01.

Conditions:
Usher syndrome type 2. Also called: Usher Syndrome Type II. Identifiers: Orphanet 231178, MedGen C0339534, MONDO:0016484.
Usher syndrome. Also called: Usher's syndrome; Usher Syndromes. Identifiers: Orphanet 886, MedGen CN469326, MeSH D052245, MONDO:0019501. Disease mechanism: loss of function.
Rare genetic deafness. Identifiers: Orphanet 96210, MedGen C5680250.
Inborn genetic diseases. Identifiers: MedGen C0950123, MeSH D030342.
USH2A-related disorder. Also called: USH2A-related disorders; USH2A-related condition. Identifiers: MedGen CN239332.
Retinal dystrophy. Also called: Inherited retinal dystrophy. Identifiers: Orphanet 71862, MedGen C0854723, MeSH D058499, MONDO:0019118, HP:0000556.
Usher syndrome type 2A. Also called: RETINAL DISEASE IN USHER SYNDROME TYPE IIA, MODIFIER OF; USHER SYNDROME, TYPE IIA. Identifiers: Orphanet 231178, Orphanet 886, MedGen C1848634, MONDO:0010169, OMIM 276901.
Retinitis pigmentosa 39 (RP39). Identifiers: Orphanet 791, MedGen C3151138, MONDO:0013436, OMIM 613809.
Retinitis pigmentosa (RP). Identifiers: Orphanet 791, MedGen C0035334, MeSH D012174, MONDO:0019200, OMIM 268000. Inheritance: Autosomal dominant, autosomal recessive and X linked inheritance.

Allele frequency attached by ClinVar (database versions not stated): TOPMed 0.00001; ExAC 0.00003.
gnomAD v4.1: 14 of 1,612,630 alleles (0.00087%); highest among the groups gnomAD compares: Admixed American, 0.0017%; no homozygotes.

Submissions (18):

CeGaT Center for Human Genetics Tuebingen
Classification: Pathogenic. Last evaluated: 2026-08-01. Review status: criteria provided, single submitter. Criteria: CeGaT Center For Human Genetics Tuebingen Variant Classification Criteria Version 2. Collection method: clinical testing. Allele origin: germline. Affected: yes. Observed: 9 variant alleles.
Comment: USH2A: PM3:Very Strong, PVS1, PM2

Labcorp Genetics (formerly Invitae), Labcorp
Classification: Pathogenic. Last evaluated: 2025-09-21. Review status: criteria provided, single submitter. Criteria: Invitae Variant Classification Sherloc (09022015). Collection method: clinical testing. Allele origin: germline.
Comment: This sequence change creates a premature translational stop signal (p.Gly3142*) in the USH2A gene. It is expected to result in an absent or disrupted protein product. Loss-of-function variants in USH2A are known to be pathogenic (PMID: 10729113, 10909849, 20507924, 25649381). This variant is present in population databases (rs397518048, gnomAD 0.005%). This premature translational stop signal has been observed in individuals with Usher syndrome and inherited retinal degeneration (PMID: 17405132, 23591405, 28130426, 28653555). It has also been observed to segregate with disease in related individuals. ClinVar contains an entry for this variant (Variation ID: 48626). For these reasons, this variant has been classified as Pathogenic.

Natera, Inc.
Classification: Pathogenic for Usher syndrome type 2A. Last evaluated: 2025-02-03. Review status: criteria provided, single submitter. Criteria: Natera Variant Classification Schema (03/2026). Collection method: clinical testing. Allele origin: germline.
Comment: The c.9424G>T variant in USH2A is a nonsense variant predicted to introduce a stop codon at amino acid 3142. This variant may result in a truncated or dysfunctional protein product. This variant is rare in the general population with a frequency below the threshold expected for the associated phenotype(s). This variant has been observed in one or more individuals affected with the associated recessive disease, as either homozygous or compound heterozygous with a second variant (PMID: 28944237). Given the available evidence, this variant is classified as Pathogenic.

Blueprint Genetics
Classification: Pathogenic for USH2A-related disorders. Last evaluated: 2024-11-04. Review status: criteria provided, single submitter. Criteria: ACMG Guidelines, 2015. Collection method: clinical testing. Allele origin: germline. Affected: yes. Observed: 5 variant alleles.

Fulgent Genetics
Classification: Pathogenic for Usher syndrome type 2A; Retinitis pigmentosa 39. Last evaluated: 2024-02-02. Review status: criteria provided, single submitter. Criteria: ACMG Guidelines, 2015. Collection method: clinical testing. Allele origin: germline.

Laboratory of Medical Genetics, National & Kapodistrian University of Athens
Classification: Pathogenic for Usher syndrome type 2A. Last evaluated: 2024-02-01. Review status: criteria provided, single submitter. Criteria: ACMG Guidelines, 2015. Collection method: curation. Allele origin: germline. Affected: no.

Women's Health and Genetics/Laboratory Corporation of America, LabCorp
Classification: Pathogenic for Usher syndrome. Last evaluated: 2023-12-14. Review status: criteria provided, single submitter. Criteria: LabCorp Variant Classification Summary - May 2015. Collection method: clinical testing. Allele origin: germline.
Comment: Variant summary: USH2A c.9424G>T (p.Gly3142X) results in a premature termination codon and is predicted to cause absence of the protein due to nonsense mediated decay, a commonly known mechanism for disease. The variant allele was found at a frequency of 2.4e-05 in 250190 control chromosomes (gnomAD). c.9424G>T has been reported in the literature as a biallelic genotype in individuals affected with Usher Syndrome (e.g. Neuhaus_2017). These data indicate that the variant is very likely associated with disease. The following publication has been ascertained in the context of this evaluation (PMID: 28944237). Eleven submitters have cited clinical-significance assessments for this variant to ClinVar after 2014. All submitters classified the variant as pathogenic/likely pathogenic. Based on the evidence outlined above, the variant was classified as likely pathogenic.

Genome-Nilou Lab
Classification: Likely pathogenic for Retinitis pigmentosa 39. Last evaluated: 2023-11-04. Review status: criteria provided, single submitter. Criteria: ACMG Guidelines, 2015. Collection method: clinical testing. Allele origin: germline. Affected: no.

Genome-Nilou Lab
Classification: Likely pathogenic for Usher syndrome type 2A. Last evaluated: 2023-11-04. Review status: criteria provided, single submitter. Criteria: ACMG Guidelines, 2015. Collection method: clinical testing. Allele origin: germline. Affected: no.

Baylor Genetics
Classification: Pathogenic for Retinitis pigmentosa 39. Last evaluated: 2023-10-27. Review status: criteria provided, single submitter. Criteria: ACMG Guidelines, 2015. Collection method: clinical testing. Allele origin: unknown.

Institute of Human Genetics, Univ. Regensburg, Univ. Regensburg
Classification: Pathogenic for Retinal dystrophy. Last evaluated: 2022-01-01. Review status: criteria provided, single submitter. Criteria: ACMG Guidelines, 2015. Collection method: clinical testing. Allele origin: germline. Affected: yes.

Broad Center for Mendelian Genomics, Broad Institute of MIT and Harvard
Classification: Likely pathogenic for Retinitis pigmentosa. Last evaluated: 2021-04-01. Review status: criteria provided, single submitter. Criteria: ACMG Guidelines, 2015. Collection method: curation. Allele origin: germline. Inheritance: Autosomal recessive inheritance. Affected: yes.
Comment: Through a review of available evidence we were able to apply the following criteria: PVS1, PM2. Based on this evidence we have classified this variant as Likely Pathogenic. If you have any questions about the classification please reach out to the Pierce Lab.

Institute of Medical Genetics and Applied Genomics, University Hospital Tübingen
Classification: Pathogenic. Last evaluated: 2020-10-23. Review status: criteria provided, single submitter. Criteria: ACMG Guidelines, 2015. Collection method: clinical testing. Allele origin: germline. Inheritance: Autosomal recessive inheritance. Affected: yes.

Laboratory for Molecular Medicine, Mass General Brigham Personalized Medicine
Classification: Pathogenic for Rare genetic deafness; Usher syndrome. Last evaluated: 2018-07-20. Review status: criteria provided, single submitter. Criteria: LMM Criteria. Collection method: clinical testing. Allele origin: germline. Inheritance: Autosomal recessive inheritance. Observed: 2 variant alleles.
Comment: The p.Gly3142X variant has been reported in 9 individuals with Usher syndrome, 4 patients with retinal dystrophy, and 1 patient with sensorineural hearing loss, and at least 10 of these individuals were compound heterozygous for a second pa thogenic USH2A variant (Baux 2007, Sandberg 2008, McGee 2010, Glockle 2013, Kraw itz 2014, Baux 2014, Lenarduzzi 2015, Lenassi 2015, Bonnet 2016, LMM data). This variant was identified in 0.005% (5/110538) of European chromosomes by the Geno me Aggregation Database (gnomAD); however, thi s frequency is low enough to be consistent with a recessive carrier frequency. T his nonsense variant leads to a premature termination codon at position 3142, wh ich is predicted to lead to a truncated or absent protein. In summary, this vari ant meets criteria to be classified as pathogenic for autosomal recessive Usher syndrome based on the predicted impact of the variant, the reported compound het erozygous individuals with Usher syndrome, and its low frequency in the general population. ACMG/AMP criteria applied: PVS1, PM3_VeryStrong, PM2, PP4.

Ambry Genetics
Classification: Pathogenic for Inborn genetic diseases. Last evaluated: 2015-03-03. Review status: criteria provided, single submitter. Criteria: Ambry exome assertion method (8-5-2015). Collection method: clinical testing. Allele origin: germline. Affected: yes. Observed: 1 variant allele.

PreventionGenetics, part of Exact Sciences
Classification: Pathogenic for USH2A-related condition. Last evaluated: 2024-09-10. Review status: no assertion criteria provided. Collection method: clinical testing. Allele origin: germline. Not counted in ClinVar's aggregate classification.
Comment: The USH2A c.9424G>T variant is predicted to result in premature protein termination (p.Gly3142*). This variant has been reported with other USH2A loss-of-function variants in multiple individuals with Usher syndrome (see for example, Baux et al. 2007. PubMed ID: 17405132; Magliulo et al. 2017. PubMed ID: 28653555; Table S5, Colombo et al. 2021. PubMed ID: 33576794). This variant is reported in 0.0053% of alleles in individuals of European (non-Finnish) descent in gnomAD. Nonsense variants in USH2A are expected to be pathogenic. This variant is interpreted as pathogenic.

Zotz-Klimas Genetics Lab, MVZ Zotz Klimas
Classification: Pathogenic for Retinitis pigmentosa 39. Last evaluated: 2023-10-30. Review status: no assertion criteria provided. Collection method: clinical testing. Allele origin: germline. Affected: yes. Not counted in ClinVar's aggregate classification.

Sharon lab, Hadassah-Hebrew University Medical Center
Classification: Pathogenic for Usher syndrome type 2. Last evaluated: 2019-06-23. Review status: no assertion criteria provided. Collection method: research. Allele origin: inherited. Affected: yes. Not counted in ClinVar's aggregate classification.

Literature cited by the submitters: PubMed 10729113 (cited by Labcorp Genetics (formerly Invitae), Labcorp); PubMed 10909849 (cited by Labcorp Genetics (formerly Invitae), Labcorp); PubMed 20507924 (cited by 3 submitters); PubMed 25649381 (cited by 3 submitters); PubMed 17405132 (cited by 3 submitters); PubMed 23591405 (cited by 3 submitters); PubMed 28130426 (cited by Labcorp Genetics (formerly Invitae), Labcorp); PubMed 28653555 (cited by 3 submitters); PubMed 28944237 (cited by Natera, Inc. and Women's Health and Genetics/Laboratory Corporation of America, LabCorp); PubMed 31589614 (cited by Institute of Human Genetics, Univ. Regensburg, Univ. Regensburg); PubMed 31964843 (cited by Institute of Human Genetics, Univ. Regensburg, Univ. Regensburg); PubMed 31456290 (cited by Institute of Human Genetics, Univ. Regensburg, Univ. Regensburg); PubMed 32531858 (cited by Institute of Human Genetics, Univ. Regensburg, Univ. Regensburg); PubMed 32037395 (cited by Institute of Human Genetics, Univ. Regensburg, Univ. Regensburg); PubMed 33576794 (cited by Institute of Human Genetics, Univ. Regensburg, Univ. Regensburg); PubMed 34948090 (cited by Institute of Human Genetics, Univ. Regensburg, Univ. Regensburg); PubMed 34781295 (cited by Institute of Human Genetics, Univ. Regensburg, Univ. Regensburg); PubMed 35266249 (cited by Institute of Human Genetics, Univ. Regensburg, Univ. Regensburg); PubMed 34906470 (cited by Broad Center for Mendelian Genomics, Broad Institute of MIT and Harvard); PubMed 18641288 (cited by Broad Center for Mendelian Genomics, Broad Institute of MIT and Harvard and Laboratory for Molecular Medicine, Mass General Brigham Personalized Medicine); PubMed 17296898 (cited by Broad Center for Mendelian Genomics, Broad Institute of MIT and Harvard); PubMed 27460420 (cited by Laboratory for Molecular Medicine, Mass General Brigham Personalized Medicine); PubMed 25575603 (cited by Laboratory for Molecular Medicine, Mass General Brigham Personalized Medicine); PubMed 25333064 (cited by Laboratory for Molecular Medicine, Mass General Brigham Personalized Medicine); PubMed 24944099 (cited by Laboratory for Molecular Medicine, Mass General Brigham Personalized Medicine).

NM_206933.4(USH2A):c.9424G>T (p.Gly3142Ter)

Gene: USH2A (usherin; minus strand). Cytogenetic location: 1q41.
Variant type: single nucleotide variant.
Coding change: c.9424G>T on transcript NM_206933.4 (MANE Select); coding-DNA position 9424, G replaced by T.
Protein change: p.Gly3142Ter; replaces glycine 3142 with a stop codon.
Molecular consequence: nonsense.
Genome position (GRCh38, 1-based): chr1:215,817,143, C>A on the plus strand (G>T on the coding strand, the complement: USH2A is on the minus strand). VCF-style: chr1-215817143-C-A. GRCh37 (hg19) VCF-style: chr1-215990485-C-A.
Other names: short protein forms G3142*.
Identifiers: ClinVar variation 48626 (VCV000048626.70), dbSNP rs397518048, ClinGen allele CA262131.